The following is an entry in ClinVar:

NM_025265.4(TSEN2):c.-220G>A

Genes: TSEN2 (tRNA splicing endonuclease subunit 2; plus strand), LOC129936171 (ATAC-STARR-seq lymphoblastoid active region 19441; plus strand). Cytogenetic location: 3p25.2.
Variant type: single nucleotide variant.
Coding change: c.-220G>A on transcript NM_025265.4 (MANE Select); 220 bases upstream of the start codon, G replaced by A.
Molecular consequence: 5 prime UTR variant. On other transcripts: intron variant (5).
Genome position (GRCh38, 1-based): chr3:12,484,678, G>A. VCF-style: chr3-12484678-G-A. GRCh37 (hg19) VCF-style: chr3-12526177-G-A.
Other names: c.-220G>A (NM_001321279.2); c.-18+161G>A (NM_001321278.2, NM_001321277.2, NM_001145393.3 and 1 more transcripts); c.-18+50G>A (NM_001145392.2).
Identifiers: ClinVar variation 343057 (VCV000343057.37), dbSNP rs182837891, ClinGen allele CA10617171.
Genomic context (GRCh38, chr3:12,484,678, plus strand): 5'-AAAGGGCCTAGGTACTGTGCTGGGGTCGCACAGCCGGCCGAGACAGTGCCGGGACGGGGA[G>A]CCAGGCTTCCGAGTGCGCCCGGTCACTGACTCCTCCGCGCTTTCCTCGTGCGCCTGCAGC-3'

ClinVar aggregate classification (germline): Benign. Review status: criteria provided, multiple submitters, no conflicts (2 of 4 stars). 3 submissions from 3 submitters: Benign (3). Last evaluated 2023-06-01.

Conditions:
Pontoneocerebellar hypoplasia. Also called: Non-syndromic pontocerebellar hypoplasia; Pontocerebellar hypoplasia. Identifiers: Orphanet 98523, MedGen C1261175, MONDO:0020135.

Allele frequency attached by ClinVar (database versions not stated): 1000 Genomes Project 30x 0.00390; 1000 Genomes Project 0.00439; TOPMed 0.00830; gnomAD 0.01211; gnomAD exomes 0.01923.
gnomAD v4.1: 1,542 of 152,414 alleles (1%); highest among the groups gnomAD compares: Non-Finnish European, 1.4%; 14 homozygotes.

Submissions (3):

CeGaT Center for Human Genetics Tuebingen
Classification: Benign. Last evaluated: 2023-06-01. Review status: criteria provided, single submitter. Criteria: CeGaT Center For Human Genetics Tuebingen Variant Classification Criteria Version 2. Collection method: clinical testing. Allele origin: germline. Affected: yes. Observed: 2 variant alleles.
Comment: TSEN2: BS1, BS2

Illumina Laboratory Services, Illumina
Classification: Benign for Pontoneocerebellar hypoplasia. Last evaluated: 2018-01-13. Review status: criteria provided, single submitter. Criteria: ICSL Variant Classification Criteria 13 December 2019. Collection method: clinical testing. Allele origin: germline.
Comment: This variant was observed in the ICSL laboratory as part of a predisposition screen in an ostensibly healthy population. It had not been previously curated by ICSL or reported in the Human Gene Mutation Database (HGMD: prior to June 1st, 2018), and was therefore a candidate for classification through an automated scoring system. Utilizing variant allele frequency, disease prevalence and penetrance estimates, and inheritance mode, an automated score was calculated to assess if this variant is too frequent to cause the disease. Based on the score and internal cut-off values, a variant classified as benign is not then subjected to further curation. The score for this variant resulted in a classification of benign for this disease.

Breakthrough Genomics
Classification: Benign. Review status: criteria provided, single submitter. Criteria: ACMG Guidelines, 2015. Collection method: not provided. Allele origin: germline. Inheritance: Autosomal recessive inheritance. Affected: yes.